The following is an entry in ClinVar:

ClinVar aggregate classification (germline): Uncertain significance. Review status: criteria provided, multiple submitters, no conflicts (2 of 4 stars). 3 submissions from 3 submitters: Uncertain significance (3). Last evaluated 2025-12-19.

Conditions:
Cardiovascular phenotype. Identifiers: MedGen CN230736.
Ehlers-Danlos syndrome, kyphoscoliotic type, 2. Also called: FKBP14-Kyphoscoliotic Ehlers-Danlos Syndrome; Ehlers-Danlos syndrome with progressive kyphoscoliosis, myopathy, and hearing loss; Ehlers-Danlos syndrome, kyphoscoliotic and deafness type. Identifiers: Orphanet 300179, MedGen C3281160, MONDO:0013800, OMIM 614557.

Allele frequency attached by ClinVar (database versions not stated): TOPMed below 0.00001; ExAC 0.00001; gnomAD 0.00001; gnomAD exomes 0.00001 and 0.00003.
gnomAD v4.1: 44 of 1,613,960 alleles (0.0027%); highest among the groups gnomAD compares: Non-Finnish European, 0.0035%; no homozygotes.

Submissions (3):

Labcorp Genetics (formerly Invitae), Labcorp
Classification: Uncertain significance for Ehlers-Danlos syndrome, kyphoscoliotic type, 2. Last evaluated: 2025-12-19. Review status: criteria provided, single submitter. Criteria: Invitae Variant Classification Sherloc (09022015). Collection method: clinical testing. Allele origin: germline.
Comment: This sequence change replaces threonine, which is neutral and polar, with isoleucine, which is neutral and non-polar, at codon 78 of the FKBP14 protein (p.Thr78Ile). This variant is present in population databases (rs758100842, gnomAD 0.002%). This variant has not been reported in the literature in individuals affected with FKBP14-related conditions. ClinVar contains an entry for this variant (Variation ID: 649362). An algorithm developed to predict the effect of missense changes on protein structure and function (PolyPhen-2) suggests that this variant is likely to be disruptive. In summary, the available evidence is currently insufficient to determine the role of this variant in disease. Therefore, it has been classified as a Variant of Uncertain Significance.

Ambry Genetics
Classification: Uncertain significance for Cardiovascular phenotype. Last evaluated: 2022-03-09. Review status: criteria provided, single submitter. Criteria: Ambry Variant Classification Scheme 2023. Collection method: clinical testing. Allele origin: germline.
Comment: The p.T78I variant (also known as c.233C>T), located in coding exon 2 of the FKBP14 gene, results from a C to T substitution at nucleotide position 233. The threonine at codon 78 is replaced by isoleucine, an amino acid with similar properties. This amino acid position is conserved. In addition, this alteration is predicted to be deleterious by in silico analysis. Since supporting evidence is limited at this time, the clinical significance of this alteration remains unclear.

Blueprint Genetics
Classification: Uncertain significance. Last evaluated: 2021-09-22. Review status: criteria provided, single submitter. Criteria: ACMG Guidelines, 2015. Collection method: clinical testing. Allele origin: germline.

NM_017946.4(FKBP14):c.233C>T (p.Thr78Ile)

Genes: FKBP14 (FKBP prolyl isomerase 14; minus strand), FKBP14-AS1 (FKBP14 antisense RNA 1; plus strand). Cytogenetic location: 7p14.3.
Variant type: single nucleotide variant.
Coding change: c.233C>T on transcript NM_017946.4 (MANE Select); coding-DNA position 233, C replaced by T.
Protein change: p.Thr78Ile; replaces threonine 78 with isoleucine.
Molecular consequence: missense variant. On other transcripts: non-coding transcript variant (1).
Genome position (GRCh38, 1-based): chr7:30,022,781, G>A on the plus strand (C>T on the coding strand, the complement: FKBP14 is on the minus strand). VCF-style: chr7-30022781-G-A. GRCh37 (hg19) VCF-style: chr7-30062397-G-A.
Other names: short protein forms T78I.
Identifiers: ClinVar variation 649362 (VCV000649362.12), dbSNP rs758100842, ClinGen allele CA4203452.
Genomic context (GRCh38, chr7:30,022,781, plus strand): 5'-CCTACACACATTCCTTTCAAGCCCTGGTCCCAACCTTTGAGAGCCTCCAGGATGCCCAGG[G>A]TAAACCAAATGGGCTGACCATTGTTATGTTTGTGACTATGATAGAAATAAAACACATTAG-3'
Protein context (NP_060416.1, residues 68-88): KHNNGQPIWF[Thr78Ile]LGILEALKGW